The following is an entry in ClinVar:

ClinVar aggregate classification (germline): Likely benign. Review status: criteria provided, multiple submitters, no conflicts (2 of 4 stars). 4 submissions from 4 submitters: Likely benign (3). 1 of the submissions does not count toward it. Last evaluated 2024-12-09.

Conditions:
BBS2-related disorder. Also called: BBS2-related condition; BBS2-related disorders. Identifiers: MedGen CN239228.
Bardet-Biedl syndrome (BBS). Identifiers: Orphanet 110, MedGen C0752166, MONDO:0015229.

Allele frequency attached by ClinVar (database versions not stated): gnomAD exomes 0.00001 and 0.00002; ExAC 0.00002; gnomAD 0.00003; TOPMed 0.00007; ESP Exome Variant Server 0.00015.
gnomAD v4.1: 16 of 1,607,778 alleles (0.001%); highest among the groups gnomAD compares: African/African-American, 0.017%; no homozygotes.

Submissions (4):

Labcorp Genetics (formerly Invitae), Labcorp
Classification: Likely benign for Bardet-Biedl syndrome. Last evaluated: 2024-12-09. Review status: criteria provided, single submitter. Criteria: Invitae Variant Classification Sherloc (09022015). Collection method: clinical testing. Allele origin: germline.

Blueprint Genetics
Classification: Likely benign. Last evaluated: 2024-10-21. Review status: criteria provided, single submitter. Criteria: ACMG Guidelines, 2015. Collection method: clinical testing. Allele origin: germline.

Breakthrough Genomics
Classification: Likely benign. Review status: criteria provided, single submitter. Criteria: ACMG Guidelines, 2015. Collection method: not provided. Allele origin: germline. Inheritance: Autosomal recessive inheritance. Affected: yes.

PreventionGenetics, part of Exact Sciences
Classification: Likely benign for BBS2-related condition. Last evaluated: 2021-06-29. Review status: no assertion criteria provided. Collection method: clinical testing. Allele origin: germline. Not counted in ClinVar's aggregate classification.
Comment: This variant is classified as likely benign based on ACMG/AMP sequence variant interpretation guidelines (Richards et al. 2015 PMID: 25741868, with internal and published modifications).

NM_031885.5(BBS2):c.117+10C>T

Gene: BBS2 (Bardet-Biedl syndrome 2; minus strand). Cytogenetic location: 16q13.
Variant type: single nucleotide variant.
Coding change: c.117+10C>T on transcript NM_031885.5 (MANE Select); 10 bases into the intron after coding-DNA position 117, C replaced by T.
Molecular consequence: intron variant.
Genome position (GRCh38, 1-based): chr16:56,519,736, G>A on the plus strand (C>T on the coding strand, the complement: BBS2 is on the minus strand). VCF-style: chr16-56519736-G-A. GRCh37 (hg19) VCF-style: chr16-56553648-G-A.
Other names: c.117+10C>T (NM_001377456.1, NM_031885.3).
Identifiers: ClinVar variation 1091707 (VCV001091707.13), dbSNP rs376041093, ClinGen allele CA8066133.
Genomic context (GRCh38, chr16:56,519,736, plus strand): 5'-CCAGGGGCGCGGCCGGCGGAGATCCTGTGGTTCCCTGGGGCCCGGGCTCCCTGCGGGTGG[G>A]AGCGGTTACCTTGCCCGTTTGGGTGGCGGCCGCCAGGCACGGGTGAGTCCCGTCGTAGCG-3'